The following is an entry in ClinVar:

ClinVar aggregate classification (germline): Likely benign (0 of 4 stars; one submission).

Conditions:
DNAH17-related disorder. Also called: DNAH17-related condition.

Allele frequency attached by ClinVar (database versions not stated): gnomAD 0.00004; TOPMed 0.00006; ExAC 0.00030.
gnomAD v4.1: 181 of 1,606,060 alleles (0.011%); highest among the groups gnomAD compares: Non-Finnish European, 0.014%; no homozygotes.

Submission:

PreventionGenetics, part of Exact Sciences
Classification: Likely benign for DNAH17-related condition. Last evaluated: 2019-07-15. Review status: no assertion criteria provided. Collection method: clinical testing. Allele origin: germline.
Comment: This variant is classified as likely benign based on ACMG/AMP sequence variant interpretation guidelines (Richards et al. 2015 PMID: 25741868, with internal and published modifications).

NM_173628.4(DNAH17):c.330C>T (p.Ile110=)

Gene: DNAH17 (dynein axonemal heavy chain 17; minus strand). Cytogenetic location: 17q25.3.
Variant type: single nucleotide variant.
Coding change: c.330C>T on transcript NM_173628.4 (MANE Select); coding-DNA position 330, C replaced by T.
Protein change: p.Ile110=; no amino-acid change (isoleucine 110 retained).
Molecular consequence: synonymous variant.
Genome position (GRCh38, 1-based): chr17:78,574,728, G>A on the plus strand (C>T on the coding strand, the complement: DNAH17 is on the minus strand). VCF-style: chr17-78574728-G-A. GRCh37 (hg19) VCF-style: chr17-76570810-G-A.
Identifiers: ClinVar variation 3049409 (VCV003049409.2), dbSNP rs770116365, ClinGen allele CA8805713.